The following is an entry in ClinVar:

ClinVar aggregate classification (germline): Benign/Likely benign. Review status: criteria provided, multiple submitters, no conflicts (2 of 4 stars). 4 submissions from 4 submitters: Benign (1); Likely benign (3). Last evaluated 2026-01-20.

Conditions:
Inborn genetic diseases. Identifiers: MedGen C0950123, MeSH D030342.
Neuronal ceroid lipofuscinosis. Also called: Neuronal Ceroid Lipofuscinoses. Identifiers: Orphanet 216, Orphanet 79263, MedGen C0027877, MONDO:0016295. Disease mechanism: loss of function.

Allele frequency attached by ClinVar (database versions not stated): gnomAD 0.00005; TOPMed 0.00006; ExAC 0.00007; ESP Exome Variant Server 0.00008.
gnomAD v4.1: 106 of 1,614,070 alleles (0.0066%); highest among the groups gnomAD compares: Non-Finnish European, 0.0086%; no homozygotes.

Submissions (4):

Labcorp Genetics (formerly Invitae), Labcorp
Classification: Likely benign for Neuronal ceroid lipofuscinosis. Last evaluated: 2026-01-20. Review status: criteria provided, single submitter. Criteria: Invitae Variant Classification Sherloc (09022015). Collection method: clinical testing. Allele origin: germline.

CeGaT Center for Human Genetics Tuebingen
Classification: Likely benign. Last evaluated: 2025-03-01. Review status: criteria provided, single submitter. Criteria: CeGaT Center For Human Genetics Tuebingen Variant Classification Criteria Version 2. Collection method: clinical testing. Allele origin: germline. Affected: yes. Observed: 1 variant allele.
Comment: CLN8: BP4, BP7

Ambry Genetics
Classification: Likely benign for Inborn genetic diseases. Last evaluated: 2020-01-15. Review status: criteria provided, single submitter. Criteria: Ambry Variant Classification Scheme 2023. Collection method: clinical testing. Allele origin: germline.

GeneDx
Classification: Benign. Last evaluated: 2013-09-10. Review status: criteria provided, single submitter. Criteria: GeneDx Variant Classification (06012015). Collection method: clinical testing. Allele origin: germline. Affected: yes.
Comment: This variant is considered likely benign or benign based on one or more of the following criteria: it is a conservative change, it occurs at a poorly conserved position in the protein, it is predicted to be benign by multiple in silico algorithms, and/or has population frequency not consistent with disease.

NM_018941.4(CLN8):c.246G>A (p.Leu82=)

Gene: CLN8 (CLN8 transmembrane ER and ERGIC protein; plus strand). Cytogenetic location: 8p23.3.
Variant type: single nucleotide variant.
Coding change: c.246G>A on transcript NM_018941.4 (MANE Select); coding-DNA position 246, G replaced by A.
Protein change: p.Leu82=; no amino-acid change (leucine 82 retained).
Molecular consequence: synonymous variant.
Genome position (GRCh38, 1-based): chr8:1,771,300, G>A. VCF-style: chr8-1771300-G-A. GRCh37 (hg19) VCF-style: chr8-1719466-G-A.
Other names: p.L82L:CTG>CTA.
Identifiers: ClinVar variation 136806 (VCV000136806.20), dbSNP rs144015378, ClinGen allele CA290159.